The following is an entry in ClinVar:

ClinVar aggregate classification (germline): Uncertain significance. Review status: criteria provided, multiple submitters, no conflicts (2 of 4 stars). 2 submissions from 2 submitters: Uncertain significance (2). Last evaluated 2026-03-09.

Conditions:
SERAC1-related disorder. Also called: SERAC1-related condition; SERAC1-related disorders.
Inborn genetic diseases. Identifiers: MedGen C0950123, MeSH D030342.

gnomAD v4.1: 17 of 1,613,768 alleles (0.0011%); highest among the groups gnomAD compares: African/African-American, 0.0053%; no homozygotes.

Submissions (2):

PreventionGenetics, part of Exact Sciences
Classification: Uncertain significance for SERAC1-related condition. Last evaluated: 2026-03-09. Review status: criteria provided, single submitter. Criteria: ACMG Guidelines, 2015. Collection method: clinical testing. Allele origin: germline.
Comment: The SERAC1 c.1135G>A variant is predicted to result in the amino acid substitution p.Val379Ile. To our knowledge, this variant has not been reported in the literature. This variant is reported in 0.0062% of alleles in individuals of African descent in gnomAD. At this time, the clinical significance of this variant is uncertain due to the absence of conclusive functional and genetic evidence.

Ambry Genetics
Classification: Uncertain significance for Inborn genetic diseases. Last evaluated: 2025-04-29. Review status: criteria provided, single submitter. Criteria: Ambry Variant Classification Scheme 2023. Collection method: clinical testing. Allele origin: germline.

NM_032861.4(SERAC1):c.1135G>A (p.Val379Ile)

Gene: SERAC1 (serine active site containing 1; minus strand). Cytogenetic location: 6q25.3.
Variant type: single nucleotide variant.
Coding change: c.1135G>A on transcript NM_032861.4 (MANE Select); coding-DNA position 1135, G replaced by A.
Protein change: p.Val379Ile; replaces valine 379 with isoleucine.
Molecular consequence: missense variant. On other transcripts: non-coding transcript variant (1).
Genome position (GRCh38, 1-based): chr6:158,120,456, C>T on the plus strand (G>A on the coding strand, the complement: SERAC1 is on the minus strand). VCF-style: chr6-158120456-C-T. GRCh37 (hg19) VCF-style: chr6-158541488-C-T.
Other names: short protein forms V379I.
Identifiers: ClinVar variation 3952427 (VCV003952427.2).